The following is an entry in ClinVar:

NM_006516.4(SLC2A1):c.*11A>G

Gene: SLC2A1 (solute carrier family 2 member 1; minus strand). Cytogenetic location: 1p34.2.
Variant type: single nucleotide variant.
Coding change: c.*11A>G on transcript NM_006516.4 (MANE Select); 11 bases downstream of the stop codon, A replaced by G.
Molecular consequence: 3 prime UTR variant.
Genome position (GRCh38, 1-based): chr1:42,927,030, T>C on the plus strand (A>G on the coding strand, the complement: SLC2A1 is on the minus strand). VCF-style: chr1-42927030-T-C. GRCh37 (hg19) VCF-style: chr1-43392701-T-C.
Identifiers: ClinVar variation 3768374 (VCV003768374.1).

ClinVar aggregate classification (germline): Uncertain significance (1 of 4 stars; one submission).

gnomAD v4.1: 10 of 1,612,858 alleles (0.00062%); highest among the groups gnomAD compares: Admixed American, 0.0017%; no homozygotes.

Submission:

Women's Health and Genetics/Laboratory Corporation of America, LabCorp
Classification: Uncertain significance. Last evaluated: 2024-12-02. Review status: criteria provided, single submitter. Criteria: LabCorp Variant Classification Summary - May 2015. Collection method: clinical testing. Allele origin: germline.
Comment: Variant summary: SLC2A1 c.*11A>G is located in the untranslated mRNA region downstream of the termination codon. The variant allele was found at a frequency of 1.2e-05 in 251130 control chromosomes. The available data on variant occurrences in the general population are insufficient to allow any conclusion about variant significance. To our knowledge, no occurrence of c.*11A>G in individuals affected with GLUT1 Deficiency Syndrome 1 and no experimental evidence demonstrating its impact on protein function have been reported. No submitters have cited clinical-significance assessments for this variant to ClinVar. Based on the evidence outlined above, the variant was classified as uncertain significance.